The following is an entry in ClinVar:

NM_177438.3(DICER1):c.4206+9_4206+13del

Gene: DICER1 (dicer 1, ribonuclease III; minus strand). Cytogenetic location: 14q32.13.
Variant type: Deletion.
Coding change: c.4206+9_4206+13del on transcript NM_177438.3 (MANE Select); bases 9 to 13 of the intron after coding-DNA position 4206, 5 bases deleted (GTGTG; older notation c.4206+9_4206+13delGTGTG).
Molecular consequence: intron variant.
Genome position (GRCh38, 1-based): chr14:95,099,767-95,099,771, CACAC deleted on the plus strand (GTGTG on the coding strand, the reverse complement: DICER1 is on the minus strand). VCF-style (leftmost placement, unchanged base first): chr14-95099766-ACACAC-A. GRCh37 (hg19) VCF-style: chr14-95566103-ACACAC-A.
Other names: p.?; c.4206+9_4206+13del (NM_001291628.2, NM_030621.4, NM_001271282.3 and 1 more transcripts); c.4206+9_4206+13delGTGTG (NM_177438.3, NM_177438.2).
Identifiers: ClinVar variation 429146 (VCV000429146.25), dbSNP rs745445238, ClinGen allele CA7330919.

ClinVar aggregate classification (germline): Benign/Likely benign. Review status: criteria provided, multiple submitters, no conflicts (2 of 4 stars). 7 submissions from 7 submitters: Benign (4); Likely benign (3). Last evaluated 2026-01-26.

Conditions:
DICER1-related tumor predisposition. Also called: DICER1 syndrome; DICER1-related pleuropulmonary blastoma cancer predisposition syndrome. Identifiers: Orphanet 284343, MedGen C3839822, MONDO:0100216.
Hereditary cancer-predisposing syndrome. Also called: Hereditary neoplastic syndrome; Tumor predisposition; Hereditary Cancer Syndrome; Neoplastic Syndromes, Hereditary. Identifiers: Orphanet 140162, MedGen C0027672, MeSH D009386, MONDO:0015356.

Allele frequency attached by ClinVar (database versions not stated): gnomAD 0.01449; gnomAD exomes 0.03514; ExAC 0.08966.

Submissions (7):

Labcorp Genetics (formerly Invitae), Labcorp
Classification: Likely benign for DICER1-related tumor predisposition. Last evaluated: 2026-01-26. Review status: criteria provided, single submitter. Criteria: Invitae Variant Classification Sherloc (09022015). Collection method: clinical testing. Allele origin: germline.

Center for Genomic Medicine, Rigshospitalet, Copenhagen University Hospital
Classification: Benign. Last evaluated: 2025-03-04. Review status: criteria provided, single submitter. Criteria: ACMG Guidelines, 2015. Collection method: clinical testing. Allele origin: germline.

Blueprint Genetics
Classification: Benign. Last evaluated: 2024-11-27. Review status: criteria provided, single submitter. Criteria: ACMG Guidelines, 2015. Collection method: clinical testing. Allele origin: germline.

Mayo Clinic Laboratories, Mayo Clinic
Classification: Benign. Last evaluated: 2022-07-20. Review status: criteria provided, single submitter. Criteria: ACMG Guidelines, 2015. Collection method: clinical testing. Allele origin: germline. Observed: 156 variant alleles.
Comment: BA1, BP4

Department of Pathology and Laboratory Medicine, Sinai Health System
Classification: Benign for DICER1-related tumor predisposition. Last evaluated: 2022-06-06. Review status: criteria provided, single submitter. Criteria: ACMG Guidelines, 2015. Collection method: clinical testing. Allele origin: germline. Affected: yes.

GeneDx
Classification: Likely benign. Last evaluated: 2019-08-19. Review status: criteria provided, single submitter. Criteria: GeneDx Variant Classification Process June 2021. Collection method: clinical testing. Allele origin: germline. Affected: yes.
Comment: See Variant Classification Assertion Criteria.

Ambry Genetics
Classification: Likely benign for Hereditary cancer-predisposing syndrome. Last evaluated: 2016-11-02. Review status: criteria provided, single submitter. Criteria: Ambry Autosomal Dominant and X-Linked criteria (10/2015). Collection method: clinical testing. Allele origin: germline. Observed: 1 variant allele.